The following is an entry in ClinVar:

ClinVar aggregate classification (germline): Pathogenic (1 of 4 stars; one submission).

Conditions:
Intellectual developmental disorder, autosomal dominant 58. Also called: MENTAL RETARDATION, AUTOSOMAL DOMINANT 58; Intellectual disability, autosomal dominant 58. Identifiers: MedGen C4748195, MONDO:0020847, OMIM 618106.

Submission:

MVZ Medizinische Genetik Mainz
Classification: Pathogenic for Intellectual developmental disorder, autosomal dominant 58. Last evaluated: 2024-12-20. Review status: criteria provided, single submitter. Criteria: UK Practice Guidelines For Variant Classification V4 01 2020. Collection method: clinical testing. Allele origin: germline. Inheritance: Autosomal dominant inheritance. Affected: yes. Observed: 1 variant allele.
Comment: ACMG Criteria: PVS1,PM2_SUP

NM_003011.4(SET):c.442_443del (p.Ser148fs)

Gene: SET (SET nuclear proto-oncogene; plus strand). Cytogenetic location: 9q34.11.
Variant type: Microsatellite.
Coding change: c.442_443del on transcript NM_003011.4 (MANE Select); coding-DNA positions 442 to 443, 2 bases deleted (AG; older notation c.442_443delAG).
Protein change: p.Ser148fs; shifts the reading frame from serine 148.
Molecular consequence: frameshift variant.
Genome position (GRCh38, 1-based): chr9:128,692,931-128,692,932, AG deleted; deleting any 2 consecutive bases within chr9:128,692,928-128,692,932 gives the same sequence; the c. name uses the placement nearest the transcript's 3' end. VCF-style (leftmost placement, unchanged base first): chr9-128692927-TGA-T. GRCh37 (hg19) VCF-style: chr9-131455206-TGA-T.
Other names: c.481_482del, p.Ser161fs (NM_001122821.2, NM_001374326.1); c.415_416del, p.Ser139fs (NM_001248000.2); c.409_410del, p.Ser137fs (NM_001248001.2); short protein forms S137fs, S139fs, S148fs, S161fs.
Identifiers: ClinVar variation 3392539 (VCV003392539.1).